The following is an entry in ClinVar:

NM_000540.3(RYR1):c.4236C>T (p.His1412=)

Gene: RYR1 (ryanodine receptor 1; plus strand). Cytogenetic location: 19q13.2.
Variant type: single nucleotide variant.
Coding change: c.4236C>T on transcript NM_000540.3 (MANE Select); coding-DNA position 4236, C replaced by T.
Protein change: p.His1412=; no amino-acid change (histidine 1412 retained).
Molecular consequence: synonymous variant.
Genome position (GRCh38, 1-based): chr19:38,475,393, C>T. VCF-style: chr19-38475393-C-T. GRCh37 (hg19) VCF-style: chr19-38966033-C-T.
Other names: c.4236C>T, p.His1412= (NM_001042723.2).
Identifiers: ClinVar variation 544497 (VCV000544497.10), dbSNP rs146206507, ClinGen allele CA308082812.
Genomic context (GRCh38, chr19:38,475,393, plus strand): 5'-CAAGAAGGTCGCCATGATGACCCAGCCACCGGCCACCCCCACGCTGCCCCGACTCCCTCA[C>T]GACGTGGTGCCTGCAGACAACCGCGATGACCCCGAGATCATCCTCAACACCACCACGGTG-3'
Protein context (NP_000531.2, residues 1402-1422): PATPTLPRLP[His1412=]DVVPADNRDD

ClinVar aggregate classification (germline): Likely benign. Review status: criteria provided, multiple submitters, no conflicts (2 of 4 stars). 3 submissions from 3 submitters: Likely benign (3). Last evaluated 2026-04-01.

Conditions:
RYR1-related disorder. Also called: RYR1-related disorders; RYR1-related condition. Identifiers: MedGen CN239331.
Malignant hyperthermia, susceptibility to, 1 (MHS1). Also called: RYR1-Related Malignant Hyperthermia Susceptibility; Anesthesia related hyperthermia; Malignant hyperpyrexia; Fulminating hyperpyrexia; Pharmacogenic myopathy; Malignant hyperthermia suceptibility 1. Identifiers: Orphanet 423, MedGen C2930980, MONDO:0007783, OMIM 145600.

gnomAD v4.1: 10 of 1,614,040 alleles (0.00062%); highest among the groups gnomAD compares: East Asian, 0.0022%; no homozygotes.

Submissions (3):

CeGaT Center for Human Genetics Tuebingen
Classification: Likely benign. Last evaluated: 2026-04-01. Review status: criteria provided, single submitter. Criteria: CeGaT Center For Human Genetics Tuebingen Variant Classification Criteria Version 2. Collection method: clinical testing. Allele origin: germline. Affected: yes. Observed: 1 variant allele.
Comment: RYR1: BP4, BP7

Labcorp Genetics (formerly Invitae), Labcorp
Classification: Likely benign for RYR1-related disorder. Last evaluated: 2025-05-25. Review status: criteria provided, single submitter. Criteria: Invitae Variant Classification Sherloc (09022015). Collection method: clinical testing. Allele origin: germline.

All of Us Research Program, National Institutes of Health
Classification: Likely benign for Malignant hyperthermia, susceptibility to, 1. Last evaluated: 2023-11-30. Review status: criteria provided, single submitter. Criteria: ACMG Guidelines, 2015. Collection method: clinical testing. Allele origin: germline. Inheritance: Autosomal dominant inheritance. Observed: 2 variant alleles, 2 heterozygotes.
Comment: This study involves interpretation of variants in research participants for the purpose of population health screening. Participant phenotype was not available at the time of variant classification. Additional details can be found in publication PMID: 35346344, PMCID: PMC8962531